The following is an entry in ClinVar:

NM_006180.6(NTRK2):c.746C>A (p.Ser249Tyr)

Gene: NTRK2 (neurotrophic receptor tyrosine kinase 2; plus strand). Cytogenetic location: 9q21.33.
Variant type: single nucleotide variant.
Coding change: c.746C>A on transcript NM_006180.6 (MANE Select); coding-DNA position 746, C replaced by A.
Protein change: p.Ser249Tyr; replaces serine 249 with tyrosine.
Molecular consequence: missense variant.
Genome position (GRCh38, 1-based): chr9:84,724,249, C>A. VCF-style: chr9-84724249-C-A. GRCh37 (hg19) VCF-style: chr9-87339164-C-A.
Other names: c.746C>A, p.Ser249Tyr (NM_001291937.2, NM_001369532.1, NM_001369533.1 and 18 more transcripts); c.278C>A, p.Ser93Tyr (NM_001369535.1, NM_001369536.1, NM_001369550.1 and 2 more transcripts); short protein forms S249Y, S93Y.
Identifiers: ClinVar variation 1310396 (VCV001310396.16), dbSNP rs772111782, ClinGen allele CA5105573.
Genomic context (GRCh38, chr9:84,724,249, plus strand): 5'-ATCAAGGTTATTTTTGTCTGTTAATTCATTTGTAGAATGAAACAAGCCACACACAGGGCT[C>A]CTTAAGGATAACTAACATTTCATCCGATGACAGTGGGAAGCAGATCTCTTGTGTGGCGGA-3'
Protein context (NP_006171.2, residues 239-259): HMNETSHTQG[Ser249Tyr]LRITNISSDD

ClinVar aggregate classification (germline): Conflicting classifications of pathogenicity. Review status: criteria provided, conflicting classifications (1 of 4 stars). 5 submissions from 5 submitters: Uncertain significance (3); Benign (1); Likely benign (1). Last evaluated 2026-04-20.

Conditions:
NTRK2-related disorder. Also called: NTRK2-related condition.
Inborn genetic diseases. Identifiers: MedGen C0950123, MeSH D030342.

Allele frequency attached by ClinVar (database versions not stated): gnomAD exomes 0.00002 and 0.00010; TOPMed 0.00004; ExAC 0.00005; gnomAD 0.00005 and 0.00006.
gnomAD v4.1: 39 of 1,614,004 alleles (0.0024%); highest among the groups gnomAD compares: Admixed American, 0.065%; no homozygotes.

Submissions (5):

PreventionGenetics, part of Exact Sciences
Classification: Uncertain significance for NTRK2-related condition. Last evaluated: 2026-04-20. Review status: criteria provided, single submitter. Criteria: ACMG Guidelines, 2015. Collection method: clinical testing. Allele origin: germline.
Comment: The NTRK2 c.746C>A variant is predicted to result in the amino acid substitution p.Ser249Tyr. This variant was reported in three individuals with early onset obesity; however, no additional information was provided to support the pathogenicity of this variant (Table S4, Serra-Juhé et al. 2019. PubMed ID: 30926952; Supplementary Table 1, Roberts et al. 2022. PubMed ID: 35562395). However, this variant is reported in 0.075% of alleles in individuals of Latino descent in gnomAD, which is more common than expected for a variant associated with autosomal dominant disease. Although we suspect that this variant may be benign, at this time, the clinical significance of this variant is uncertain due to the absence of conclusive functional and genetic evidence.

Labcorp Genetics (formerly Invitae), Labcorp
Classification: Benign. Last evaluated: 2025-10-27. Review status: criteria provided, single submitter. Criteria: Invitae Variant Classification Sherloc (09022015). Collection method: clinical testing. Allele origin: germline.

Ambry Genetics
Classification: Likely benign for Inborn genetic diseases. Last evaluated: 2021-10-15. Review status: criteria provided, single submitter. Criteria: Ambry Variant Classification Scheme 2023. Collection method: clinical testing. Allele origin: germline.

GeneDx
Classification: Uncertain significance. Last evaluated: 2021-04-14. Review status: criteria provided, single submitter. Criteria: GeneDx Variant Classification Process June 2021. Collection method: clinical testing. Allele origin: germline. Affected: yes.
Comment: In silico analysis supports that this missense variant does not alter protein structure/function; Reported in individuals with obesity (Serra-Juhe et al., 2020); This variant is associated with the following publications: (PMID: 30926952)

Genetic Services Laboratory, University of Chicago
Classification: Uncertain significance. Last evaluated: 2017-07-12. Review status: criteria provided, single submitter. Criteria: ACMG Guidelines, 2015. Collection method: clinical testing. Allele origin: germline. Affected: no.